The following is an entry in ClinVar:

NM_004304.5(ALK):c.1120G>C (p.Glu374Gln)

Gene: ALK (ALK receptor tyrosine kinase; minus strand). Cytogenetic location: 2p23.2.
Variant type: single nucleotide variant.
Coding change: c.1120G>C on transcript NM_004304.5 (MANE Select); coding-DNA position 1120, G replaced by C.
Protein change: p.Glu374Gln; replaces glutamic acid 374 with glutamine.
Molecular consequence: missense variant.
Genome position (GRCh38, 1-based): chr2:29,531,949, C>G on the plus strand (G>C on the coding strand, the complement: ALK is on the minus strand). VCF-style: chr2-29531949-C-G. GRCh37 (hg19) VCF-style: chr2-29754815-C-G.
Other names: short protein forms E374Q.
Identifiers: ClinVar variation 3343060 (VCV003343060.1).
Genomic context (GRCh38, chr2:29,531,949, plus strand): 5'-AATTTTGGACATGGAGAAGTACTTACCCATGCTTCCCTGGAGTGGGCATCAGGAGGATCT[C>G]TCTTGCAGCCTCGTTGTGGGGCAGCAGCTGGGCAATGTACCTTCCAGAGGGCTGCAGGTG-3'
Protein context (NP_004295.2, residues 364-384): QLLPHNEAAR[Glu374Gln]ILLMPTPGKH

ClinVar aggregate classification (germline): Uncertain significance (1 of 4 stars; one submission).

Submission:

GeneDx
Classification: Uncertain significance. Last evaluated: 2023-04-10. Review status: criteria provided, single submitter. Criteria: GeneDx Variant Classification Process June 2021. Collection method: clinical testing. Allele origin: germline. Affected: yes.
Comment: Not observed at significant frequency in large population cohorts (gnomAD); In silico analysis supports that this missense variant does not alter protein structure/function; Has not been previously published as pathogenic or benign to our knowledge